The following is an entry in ClinVar:

NM_001371727.1(GABRB2):c.1331C>G (p.Ala444Gly)

Gene: GABRB2 (gamma-aminobutyric acid type A receptor subunit beta2; minus strand). Cytogenetic location: 5q34.
Variant type: single nucleotide variant.
Coding change: c.1331C>G on transcript NM_001371727.1 (MANE Select); coding-DNA position 1331, C replaced by G.
Protein change: p.Ala444Gly; replaces alanine 444 with glycine.
Molecular consequence: missense variant.
Genome position (GRCh38, 1-based): chr5:161,294,289, G>C on the plus strand (C>G on the coding strand, the complement: GABRB2 is on the minus strand). VCF-style: chr5-161294289-G-C. GRCh37 (hg19) VCF-style: chr5-160721296-G-C.
Other names: c.1217C>G, p.Ala406Gly (NM_000813.3); c.1331C>G, p.Ala444Gly (NM_021911.3); short protein forms A406G, A444G.
Identifiers: ClinVar variation 3708626 (VCV003708626.2).

ClinVar aggregate classification (germline): Uncertain significance (1 of 4 stars; one submission).

Conditions:
Intellectual disability. Also called: Intellectual developmental disorder; Intellectual functioning disability; intellectual disabilities. Identifiers: MedGen C3714756, MeSH D008607, MONDO:0001071, HP:0001249.

gnomAD v4.1: 2 of 1,614,140 alleles (0.00012%); highest among the groups gnomAD compares: Non-Finnish European, 0.000085%; no homozygotes.

Submission:

Labcorp Genetics (formerly Invitae), Labcorp
Classification: Uncertain significance for Intellectual disability. Last evaluated: 2025-06-12. Review status: criteria provided, single submitter. Criteria: Invitae Variant Classification Sherloc (09022015). Collection method: clinical testing. Allele origin: germline.
Comment: This sequence change replaces alanine, which is neutral and non-polar, with glycine, which is neutral and non-polar, at codon 444 of the GABRB2 protein (p.Ala444Gly). This variant is present in population databases (rs748111065, gnomAD 0.0009%). This variant has not been reported in the literature in individuals affected with GABRB2-related conditions. ClinVar contains an entry for this variant (Variation ID: 3708626). Invitae Evidence Modeling of protein sequence and biophysical properties (such as structural, functional, and spatial information, amino acid conservation, physicochemical variation, residue mobility, and thermodynamic stability) indicates that this missense variant is not expected to disrupt GABRB2 protein function with a negative predictive value of 95%. Algorithms developed to predict the effect of sequence changes on RNA splicing suggest that this variant may create or strengthen a splice site. In summary, the available evidence is currently insufficient to determine the role of this variant in disease. Therefore, it has been classified as a Variant of Uncertain Significance.